The following is an entry in ClinVar:

NM_006343.3(MERTK):c.756A>G (p.Pro252=)

Gene: MERTK (MER proto-oncogene, tyrosine kinase; plus strand). Cytogenetic location: 2q13.
Variant type: single nucleotide variant.
Coding change: c.756A>G on transcript NM_006343.3 (MANE Select); coding-DNA position 756, A replaced by G.
Protein change: p.Pro252=; no amino-acid change (proline 252 retained).
Molecular consequence: synonymous variant.
Genome position (GRCh38, 1-based): chr2:111,947,566, A>G. VCF-style: chr2-111947566-A-G. GRCh37 (hg19) VCF-style: chr2-112705143-A-G.
Identifiers: ClinVar variation 330745 (VCV000330745.25), dbSNP rs3761702, ClinGen allele CA1831141.

ClinVar aggregate classification (germline): Benign/Likely benign. Review status: criteria provided, multiple submitters, no conflicts (2 of 4 stars). 5 submissions from 5 submitters: Benign (3); Likely benign (2). Last evaluated 2026-02-03.

Conditions:
Retinitis pigmentosa (RP). Identifiers: Orphanet 791, MedGen C0035334, MeSH D012174, MONDO:0019200, OMIM 268000. Inheritance: Autosomal dominant, autosomal recessive and X linked inheritance.
Retinitis pigmentosa 38 (RP38). Also called: ROD-CONE DYSTROPHY, CHILDHOOD-ONSET. Identifiers: Orphanet 791, MedGen C3151228, MONDO:0013469, OMIM 613862.
Retinal dystrophy. Also called: Inherited retinal dystrophy. Identifiers: Orphanet 71862, MedGen C0854723, MeSH D058499, MONDO:0019118, HP:0000556.

Allele frequency attached by ClinVar (database versions not stated): ESP Exome Variant Server 0.01445; TOPMed 0.01899; 1000 Genomes Project 0.02057; 1000 Genomes Project 30x 0.02092.
gnomAD v4.1: 9,435 of 1,613,988 alleles (0.58%); highest among the groups gnomAD compares: Admixed American, 4.3%; 192 homozygotes.

Submissions (24):

Labcorp Genetics (formerly Invitae), Labcorp
Classification: Benign. Last evaluated: 2026-02-03. Review status: criteria provided, single submitter. Criteria: Invitae Variant Classification Sherloc (09022015). Collection method: clinical testing. Allele origin: germline.

ARUP Laboratories, Molecular Genetics and Genomics, ARUP Laboratories
Classification: Benign for Retinitis pigmentosa 38. Last evaluated: 2023-10-16. Review status: criteria provided, single submitter. Criteria: ARUP Molecular Germline Variant Investigation Process 2024. Collection method: clinical testing. Allele origin: germline.

Dept Of Ophthalmology, Nagoya University
Classification: Benign for Retinal dystrophy. Last evaluated: 2023-10-01. Review status: criteria provided, single submitter. Criteria: Submitter's publication. Collection method: research. Allele origin: germline. Affected: yes.

Illumina Laboratory Services, Illumina
Classification: Likely benign for Retinitis pigmentosa. Last evaluated: 2018-01-12. Review status: criteria provided, single submitter. Criteria: ICSL Variant Classification Criteria 13 December 2019. Collection method: clinical testing. Allele origin: germline.
Comment: This variant was observed in the ICSL laboratory as part of a predisposition screen in an ostensibly healthy population. It had not been previously curated by ICSL or reported in the Human Gene Mutation Database (HGMD: prior to June 1st, 2018), and was therefore a candidate for classification through an automated scoring system. Utilizing variant allele frequency, disease prevalence and penetrance estimates, and inheritance mode, an automated score was calculated to assess if this variant is too frequent to cause the disease. Based on the score and internal cut-off values, a variant classified as likely benign is not then subjected to further curation. The score for this variant resulted in a classification of likely benign for this disease.

Breakthrough Genomics
Classification: Likely benign. Review status: criteria provided, single submitter. Criteria: ACMG Guidelines, 2015. Collection method: not provided. Allele origin: germline. Inheritance: Autosomal recessive inheritance. Affected: yes.

Dr. Peter K. Rogan Lab, Western University
No classification provided (evidence only). Condition: Clear cell carcinoma of kidney. Review status: no classification provided. Collection method: in vitro. Allele origin: not applicable. Functional consequence: retained intron. Not counted in ClinVar's aggregate classification.

Dr. Peter K. Rogan Lab, Western University
No classification provided (evidence only). Condition: Lung cancer. Review status: no classification provided. Collection method: in vitro. Allele origin: not applicable. Functional consequence: retained intron. Not counted in ClinVar's aggregate classification.

Dr. Peter K. Rogan Lab, Western University
No classification provided (evidence only). Condition: Lung cancer. Review status: no classification provided. Collection method: in vitro. Allele origin: not applicable. Functional consequence: retained intron. Not counted in ClinVar's aggregate classification.

Dr. Peter K. Rogan Lab, Western University
No classification provided (evidence only). Condition: Melanoma. Review status: no classification provided. Collection method: in vitro. Allele origin: not applicable. Functional consequence: retained intron. Not counted in ClinVar's aggregate classification.

Dr. Peter K. Rogan Lab, Western University
No classification provided (evidence only). Condition: Thyroid cancer, nonmedullary, 1. Review status: no classification provided. Collection method: in vitro. Allele origin: not applicable. Functional consequence: retained intron. Not counted in ClinVar's aggregate classification.

Dr. Peter K. Rogan Lab, Western University
No classification provided (evidence only). Condition: Thyroid cancer, nonmedullary, 1. Review status: no classification provided. Collection method: in vitro. Allele origin: not applicable. Functional consequence: retained intron. Not counted in ClinVar's aggregate classification.

Dr. Peter K. Rogan Lab, Western University
No classification provided (evidence only). Condition: Thyroid cancer, nonmedullary, 1. Review status: no classification provided. Collection method: in vitro. Allele origin: not applicable. Functional consequence: retained intron. Not counted in ClinVar's aggregate classification.

Dr. Peter K. Rogan Lab, Western University
No classification provided (evidence only). Condition: Uterine corpus endometrial carcinoma. Review status: no classification provided. Collection method: in vitro. Allele origin: not applicable. Functional consequence: retained intron. Not counted in ClinVar's aggregate classification.

Dr. Peter K. Rogan Lab, Western University
No classification provided (evidence only). Condition: Cervical cancer. Review status: no classification provided. Collection method: in vitro. Allele origin: not applicable. Functional consequence: retained intron. Not counted in ClinVar's aggregate classification.

Dr. Peter K. Rogan Lab, Western University
No classification provided (evidence only). Condition: Cervical cancer. Review status: no classification provided. Collection method: in vitro. Allele origin: not applicable. Functional consequence: retained intron. Not counted in ClinVar's aggregate classification.

Dr. Peter K. Rogan Lab, Western University
No classification provided (evidence only). Condition: Sarcoma. Review status: no classification provided. Collection method: in vitro. Allele origin: not applicable. Functional consequence: retained intron. Not counted in ClinVar's aggregate classification.

Dr. Peter K. Rogan Lab, Western University
No classification provided (evidence only). Condition: Hepatocellular carcinoma. Review status: no classification provided. Collection method: in vitro. Allele origin: not applicable. Functional consequence: retained intron. Not counted in ClinVar's aggregate classification.

Dr. Peter K. Rogan Lab, Western University
No classification provided (evidence only). Condition: Ovarian serous cystadenocarcinoma. Review status: no classification provided. Collection method: in vitro. Allele origin: not applicable. Functional consequence: retained intron. Not counted in ClinVar's aggregate classification.

Dr. Peter K. Rogan Lab, Western University
No classification provided (evidence only). Condition: Gastric cancer. Review status: no classification provided. Collection method: in vitro. Allele origin: not applicable. Functional consequence: retained intron. Not counted in ClinVar's aggregate classification.

Dr. Peter K. Rogan Lab, Western University
No classification provided (evidence only). Condition: Gastric cancer. Review status: no classification provided. Collection method: in vitro. Allele origin: not applicable. Functional consequence: retained intron. Not counted in ClinVar's aggregate classification.

Dr. Peter K. Rogan Lab, Western University
No classification provided (evidence only). Condition: Gastric cancer. Review status: no classification provided. Collection method: in vitro. Allele origin: not applicable. Functional consequence: retained intron. Not counted in ClinVar's aggregate classification.

Dr. Peter K. Rogan Lab, Western University
No classification provided (evidence only). Condition: Gastric cancer. Review status: no classification provided. Collection method: in vitro. Allele origin: not applicable. Functional consequence: retained intron. Not counted in ClinVar's aggregate classification.

Dr. Peter K. Rogan Lab, Western University
No classification provided (evidence only). Condition: Hepatocellular carcinoma. Review status: no classification provided. Collection method: in vitro. Allele origin: not applicable. Functional consequence: retained intron. Not counted in ClinVar's aggregate classification.

Dr. Peter K. Rogan Lab, Western University
No classification provided (evidence only). Condition: Hepatocellular carcinoma. Review status: no classification provided. Collection method: in vitro. Allele origin: not applicable. Functional consequence: retained intron. Not counted in ClinVar's aggregate classification.